The following is an entry in ClinVar:

NM_004168.4(SDHA):c.1177G>C (p.Val393Leu)

Gene: SDHA (succinate dehydrogenase complex flavoprotein subunit A; plus strand). Cytogenetic location: 5p15.33.
Variant type: single nucleotide variant.
Coding change: c.1177G>C on transcript NM_004168.4 (MANE Select); coding-DNA position 1177, G replaced by C.
Protein change: p.Val393Leu; replaces valine 393 with leucine.
Molecular consequence: missense variant.
Genome position (GRCh38, 1-based): chr5:235,256, G>C. VCF-style: chr5-235256-G-C. GRCh37 (hg19) VCF-style: chr5-235371-G-C.
Other names: c.1033G>C, p.Val345Leu (NM_001294332.2); c.1177G>C, p.Val393Leu (NM_001330758.2); short protein forms V345L, V393L.
Identifiers: ClinVar variation 837137 (VCV000837137.10), dbSNP rs372989971, ClinGen allele CA359013609.

ClinVar aggregate classification (germline): Uncertain significance (1 of 4 stars; one submission).

Conditions:
Pheochromocytoma/paraganglioma syndrome 5. Also called: Paragangliomas 5; SDHA-Related Hereditary Paraganglioma-Pheochromocytoma Syndrome. Identifiers: Orphanet 29072, MedGen C3279992, MONDO:0013602, OMIM 614165.
Mitochondrial complex II deficiency, nuclear type 1. Also called: SUCCINATE CoQ REDUCTASE DEFICIENCY. Identifiers: Orphanet 3208, MedGen C5700310, MONDO:0100294, OMIM 252011.

Submission:

Labcorp Genetics (formerly Invitae), Labcorp
Classification: Uncertain significance for Pheochromocytoma/paraganglioma syndrome 5; Mitochondrial complex II deficiency, nuclear type 1. Last evaluated: 2019-02-05. Review status: criteria provided, single submitter. Criteria: Invitae Variant Classification Sherloc (09022015). Collection method: clinical testing. Allele origin: germline.
Comment: In summary, the available evidence is currently insufficient to determine the role of this variant in disease. Therefore, it has been classified as a Variant of Uncertain Significance. Algorithms developed to predict the effect of missense changes on protein structure and function (SIFT, PolyPhen-2, Align-GVGD) all suggest that this variant is likely to be disruptive, but these predictions have not been confirmed by published functional studies and their clinical significance is uncertain. This variant has not been reported in the literature in individuals with SDHA-related conditions. This variant is not present in population databases (ExAC no frequency). This sequence change replaces valine with leucine at codon 393 of the SDHA protein (p.Val393Leu). The valine residue is highly conserved and there is a small physicochemical difference between valine and leucine.